The following is an entry in ClinVar:

NM_002336.3(LRP6):c.4238A>G (p.Tyr1413Cys)

Gene: LRP6 (LDL receptor related protein 6; minus strand). Cytogenetic location: 12p13.2.
Variant type: single nucleotide variant.
Coding change: c.4238A>G on transcript NM_002336.3 (MANE Select); coding-DNA position 4238, A replaced by G.
Protein change: p.Tyr1413Cys; replaces tyrosine 1413 with cysteine.
Molecular consequence: missense variant. On other transcripts: non-coding transcript variant (1).
Genome position (GRCh38, 1-based): chr12:12,126,765, T>C on the plus strand (A>G on the coding strand, the complement: LRP6 is on the minus strand). VCF-style: chr12-12126765-T-C. GRCh37 (hg19) VCF-style: chr12-12279699-T-C.
Other names: c.4331A>G, p.Tyr1444Cys (NM_001414244.1); c.4238A>G, p.Tyr1413Cys (NM_001414245.1, NM_001414248.1, NM_001414249.1 and 1 more transcripts); c.4103A>G, p.Tyr1368Cys (NM_001414246.1); c.4040A>G, p.Tyr1347Cys (NM_001414247.1); c.3875A>G, p.Tyr1292Cys (NM_001414251.1); c.3785A>G, p.Tyr1262Cys (NM_001414252.1, NM_001414253.1, NM_001414254.1); c.3731A>G, p.Tyr1244Cys (NM_001414255.1); short protein forms Y1244C, Y1262C, Y1292C, Y1347C, Y1368C, Y1413C, Y1444C.
Identifiers: ClinVar variation 4804935 (VCV004804935.1).

ClinVar aggregate classification (germline): Uncertain significance (1 of 4 stars; one submission).

gnomAD v4.1: 43 of 1,614,080 alleles (0.0027%); highest among the groups gnomAD compares: Admixed American, 0.0033%; no homozygotes.

Submission:

Labcorp Genetics (formerly Invitae), Labcorp
Classification: Uncertain significance. Last evaluated: 2025-03-23. Review status: criteria provided, single submitter. Criteria: Invitae Variant Classification Sherloc (09022015). Collection method: clinical testing. Allele origin: germline.
Comment: This sequence change replaces tyrosine, which is neutral and polar, with cysteine, which is neutral and slightly polar, at codon 1413 of the LRP6 protein (p.Tyr1413Cys). This variant is present in population databases (rs142833219, gnomAD 0.006%). This variant has not been reported in the literature in individuals affected with LRP6-related conditions. Invitae Evidence Modeling of protein sequence and biophysical properties (such as structural, functional, and spatial information, amino acid conservation, physicochemical variation, residue mobility, and thermodynamic stability) indicates that this missense variant is not expected to disrupt LRP6 protein function with a negative predictive value of 80%. In summary, the available evidence is currently insufficient to determine the role of this variant in disease. Therefore, it has been classified as a Variant of Uncertain Significance.